The following is an entry in ClinVar:

NM_000466.3(PEX1):c.953A>G (p.Asp318Gly)

Gene: PEX1 (peroxisomal biogenesis factor 1; minus strand). Cytogenetic location: 7q21.2.
Variant type: single nucleotide variant.
Coding change: c.953A>G on transcript NM_000466.3 (MANE Select); coding-DNA position 953, A replaced by G.
Protein change: p.Asp318Gly; replaces aspartic acid 318 with glycine.
Molecular consequence: missense variant.
Genome position (GRCh38, 1-based): chr7:92,517,562, T>C on the plus strand (A>G on the coding strand, the complement: PEX1 is on the minus strand). VCF-style: chr7-92517562-T-C. GRCh37 (hg19) VCF-style: chr7-92146876-T-C.
Other names: c.953A>G, p.Asp318Gly (NM_001282677.2); c.329A>G, p.Asp110Gly (NM_001282678.2); short protein forms D110G, D318G.
Identifiers: ClinVar variation 1512274 (VCV001512274.8), dbSNP rs751341597, ClinGen allele CA368198806.

ClinVar aggregate classification (germline): Uncertain significance (1 of 4 stars; one submission).

Conditions:
Zellweger spectrum disorders (ZS). Also called: Zellweger syndrome; Zellweger Spectrum Disorder (ZSD); Zellweger Spectrum Disorder; Zellweger Spectrum. Identifiers: Orphanet 912, MedGen C0043459, MONDO:0019609.

Allele frequency attached by ClinVar (database versions not stated): gnomAD 0.00001.
gnomAD v4.1: 1 of 1,613,918 alleles (0.000062%); highest among the groups gnomAD compares: African/African-American, 0.0013%; no homozygotes.

Submission:

Labcorp Genetics (formerly Invitae), Labcorp
Classification: Uncertain significance for Zellweger spectrum disorders. Last evaluated: 2023-07-17. Review status: criteria provided, single submitter. Criteria: Invitae Variant Classification Sherloc (09022015). Collection method: clinical testing. Allele origin: germline.
Comment: This sequence change replaces aspartic acid, which is acidic and polar, with glycine, which is neutral and non-polar, at codon 318 of the PEX1 protein (p.Asp318Gly). This variant is not present in population databases (gnomAD no frequency). This variant has not been reported in the literature in individuals affected with PEX1-related conditions. ClinVar contains an entry for this variant (Variation ID: 1512274). Advanced modeling of protein sequence and biophysical properties (such as structural, functional, and spatial information, amino acid conservation, physicochemical variation, residue mobility, and thermodynamic stability) performed at Invitae indicates that this missense variant is not expected to disrupt PEX1 protein function. In summary, the available evidence is currently insufficient to determine the role of this variant in disease. Therefore, it has been classified as a Variant of Uncertain Significance.